The following is an entry in ClinVar:

ClinVar aggregate classification (germline): Uncertain significance (1 of 4 stars; one submission).

Conditions:
Hereditary cancer-predisposing syndrome. Also called: Tumor predisposition; Hereditary neoplastic syndrome; Hereditary Cancer Syndrome; Neoplastic Syndromes, Hereditary. Identifiers: Orphanet 140162, MedGen C0027672, MeSH D009386, MONDO:0015356.

Submission:

Ambry Genetics
Classification: Uncertain significance for Hereditary cancer-predisposing syndrome. Last evaluated: 2023-12-14. Review status: criteria provided, single submitter. Criteria: Ambry Variant Classification Scheme 2023. Collection method: clinical testing. Allele origin: germline.
Comment: The p.A264G variant (also known as c.791C>G), located in coding exon 8 of the SDHB gene, results from a C to G substitution at nucleotide position 791. The alanine at codon 264 is replaced by glycine, an amino acid with similar properties. This amino acid position is conserved. In addition, this alteration is predicted to be deleterious by in silico analysis. Since supporting evidence is limited at this time, the clinical significance of this alteration remains unclear.

NM_003000.3(SDHB):c.791C>G (p.Ala264Gly)

Gene: SDHB (succinate dehydrogenase complex iron sulfur subunit B; minus strand). Cytogenetic location: 1p36.13.
Variant type: single nucleotide variant.
Coding change: c.791C>G on transcript NM_003000.3 (MANE Select); coding-DNA position 791, C replaced by G.
Protein change: p.Ala264Gly; replaces alanine 264 with glycine.
Molecular consequence: missense variant.
Genome position (GRCh38, 1-based): chr1:17,018,933, G>C on the plus strand (C>G on the coding strand, the complement: SDHB is on the minus strand). VCF-style: chr1-17018933-G-C. GRCh37 (hg19) VCF-style: chr1-17345428-G-C.
Other names: c.737C>G, p.Ala246Gly (NM_001407361.1); short protein forms A246G, A264G.
Identifiers: ClinVar variation 3223023 (VCV003223023.1), dbSNP rs1557738283, ClinGen allele CA338268951.